The following is an entry in ClinVar:

ClinVar aggregate classification (germline): Uncertain significance. Review status: criteria provided, multiple submitters, no conflicts (2 of 4 stars). 2 submissions from 2 submitters: Uncertain significance (2). Last evaluated 2025-04-19.

Conditions:
Hereditary cancer-predisposing syndrome. Also called: Tumor predisposition; Hereditary neoplastic syndrome; Neoplastic Syndromes, Hereditary; Hereditary Cancer Syndrome. Identifiers: Orphanet 140162, MedGen C0027672, MeSH D009386, MONDO:0015356.
Fanconi anemia (FA). Also called: Fanconi's anemia. Identifiers: Orphanet 84, MedGen C0015625, MeSH D005199, MONDO:0019391.

Submissions (2):

Ambry Genetics
Classification: Uncertain significance for Hereditary cancer-predisposing syndrome. Last evaluated: 2025-04-19. Review status: criteria provided, single submitter. Criteria: Ambry Variant Classification Scheme 2023. Collection method: clinical testing. Allele origin: germline.
Comment: The p.T319K variant (also known as c.956C>A), located in coding exon 9 of the FANCC gene, results from a C to A substitution at nucleotide position 956. The threonine at codon 319 is replaced by lysine, an amino acid with similar properties. This amino acid position is conserved. In addition, the in silico prediction for this alteration is inconclusive. Based on the available evidence, the clinical significance of this variant remains unclear.

Labcorp Genetics (formerly Invitae), Labcorp
Classification: Uncertain significance for Fanconi anemia. Last evaluated: 2021-08-30. Review status: criteria provided, single submitter. Criteria: Invitae Variant Classification Sherloc (09022015). Collection method: clinical testing. Allele origin: germline.
Comment: This sequence change replaces threonine with lysine at codon 319 of the FANCC protein (p.Thr319Lys). The threonine residue is highly conserved and there is a moderate physicochemical difference between threonine and lysine. This variant is not present in population databases (ExAC no frequency). This variant has not been reported in the literature in individuals affected with FANCC-related conditions. Algorithms developed to predict the effect of missense changes on protein structure and function are either unavailable or do not agree on the potential impact of this missense change (SIFT: "Deleterious"; PolyPhen-2: "Possibly Damaging"; Align-GVGD: "Class C0"). In summary, the available evidence is currently insufficient to determine the role of this variant in disease. Therefore, it has been classified as a Variant of Uncertain Significance.

NM_000136.3(FANCC):c.956C>A (p.Thr319Lys)

Genes: AOPEP (aminopeptidase O (putative); plus strand), FANCC (FA complementation group C; minus strand). Cytogenetic location: 9q22.32.
Variant type: single nucleotide variant.
Coding change: c.956C>A on transcript NM_000136.3 (MANE Select); coding-DNA position 956, C replaced by A.
Protein change: p.Thr319Lys; replaces threonine 319 with lysine.
Molecular consequence: missense variant.
Genome position (GRCh38, 1-based): chr9:95,125,126, G>T on the plus strand (C>A on the coding strand, the complement: FANCC is on the minus strand). VCF-style: chr9-95125126-G-T. GRCh37 (hg19) VCF-style: chr9-97887408-G-T.
Other names: c.956C>A, p.Thr319Lys (NM_001243743.2, NM_001243744.2); short protein forms T319K.
Identifiers: ClinVar variation 1980858 (VCV001980858.2), dbSNP rs745910444, ClinGen allele CA374108879.